The following is an entry in ClinVar:

NM_006254.4(PRKCD):c.377-7T>A

Gene: PRKCD (protein kinase C delta; plus strand). Cytogenetic location: 3p21.1.
Variant type: single nucleotide variant.
Coding change: c.377-7T>A on transcript NM_006254.4 (MANE Select); 7 bases into the intron before coding-DNA position 377, T replaced by A.
Molecular consequence: intron variant.
Genome position (GRCh38, 1-based): chr3:53,181,437, T>A. VCF-style: chr3-53181437-T-A. GRCh37 (hg19) VCF-style: chr3-53215453-T-A.
Other names: c.377-7T>A (NM_001354680.2, NM_001354679.2, NM_212539.2 and 1 more transcripts); c.434-7T>A (NM_001354676.2); c.425-7T>A (NM_001354678.2).
Identifiers: ClinVar variation 1484592 (VCV001484592.8), dbSNP rs372103939, ClinGen allele CA74849429.
Genomic context (GRCh38, chr3:53,181,437, plus strand): 5'-GGAGGGACTGTAGGGGTGCCACCCCTTCCAGATACCAGGGCTGACTTCCCTACTCCATGG[T>A]CACCAGATTGCAAACAGTCTATGCGCAGTGAGGACGAGGCCAAGTTCCCAACGATGAACC-3'

ClinVar aggregate classification (germline): Uncertain significance (1 of 4 stars; one submission).

Conditions:
Autoimmune lymphoproliferative syndrome, type III caused by mutation in PRKCD. Identifiers: Orphanet 3261, Orphanet 664711, MedGen C3809928, MONDO:8000024, OMIM 615559.

Allele frequency attached by ClinVar (database versions not stated): gnomAD exomes below 0.00001; ESP Exome Variant Server 0.00008.
gnomAD v4.1: 7 of 1,614,106 alleles (0.00043%); highest among the groups gnomAD compares: Non-Finnish European, 0.00051%; no homozygotes.

Submission:

Labcorp Genetics (formerly Invitae), Labcorp
Classification: Uncertain significance for Autoimmune lymphoproliferative syndrome, type III caused by mutation in PRKCD. Last evaluated: 2023-10-13. Review status: criteria provided, single submitter. Criteria: Invitae Variant Classification Sherloc (09022015). Collection method: clinical testing. Allele origin: germline.
Comment: This sequence change falls in intron 5 of the PRKCD gene. It does not directly change the encoded amino acid sequence of the PRKCD protein. This variant is not present in population databases (gnomAD no frequency). This variant has not been reported in the literature in individuals affected with PRKCD-related conditions. ClinVar contains an entry for this variant (Variation ID: 1484592). Algorithms developed to predict the effect of sequence changes on RNA splicing suggest that this variant may create or strengthen a splice site. In summary, the available evidence is currently insufficient to determine the role of this variant in disease. Therefore, it has been classified as a Variant of Uncertain Significance.